The following is an entry in ClinVar:

NM_001844.5(COL2A1):c.905C>T (p.Ala302Val)

Gene: COL2A1 (collagen type II alpha 1 chain; minus strand). Cytogenetic location: 12q13.11.
Variant type: single nucleotide variant.
Coding change: c.905C>T on transcript NM_001844.5 (MANE Select); coding-DNA position 905, C replaced by T.
Protein change: p.Ala302Val; replaces alanine 302 with valine.
Molecular consequence: missense variant.
Genome position (GRCh38, 1-based): chr12:47,993,828, G>A on the plus strand (C>T on the coding strand, the complement: COL2A1 is on the minus strand). VCF-style: chr12-47993828-G-A. GRCh37 (hg19) VCF-style: chr12-48387611-G-A.
Other names: c.698C>T, p.Ala233Val (NM_033150.3); short protein forms A302V, A233V.
Identifiers: ClinVar variation 449001 (VCV000449001.35), dbSNP rs1555168505, ClinGen allele CA384521889.

ClinVar aggregate classification (germline): Pathogenic/Likely pathogenic. Review status: criteria provided, multiple submitters, no conflicts (2 of 4 stars). 8 submissions from 8 submitters: Pathogenic (7); Likely pathogenic (1). Last evaluated 2026-01-11.

Conditions:
Spondyloepimetaphyseal dysplasia, Strudwick type (SEMDSTWK). Also called: STRUDWICK SYNDROME; DAPPLED METAPHYSIS SYNDROME. Identifiers: Orphanet 93346, MedGen C0700635, MONDO:0008476, OMIM 184250.
COL2A1-related disorder. Also called: COL2A1-related condition; COL2A1-related disorders.
Achondrogenesis type II (ACG2). Also called: ACHONDROGENESIS, LANGER-SALDINO TYPE; CHONDROGENESIS IMPERFECTA. Identifiers: Orphanet 932, Orphanet 93296, MedGen C0220685, MONDO:0008702, OMIM 200610.
Spondyloepiphyseal dysplasia with metatarsal shortening. Also called: CZECH DYSPLASIA, METATARSAL TYPE; SPONDYLOEPIPHYSEAL DYSPLASIA WITH PRECOCIOUS OSTEOARTHRITIS; Pseudorheumatoid dysplasia progressive, with hypoplastic toes. Identifiers: Orphanet 137678, MedGen C1836683, MONDO:0012206, OMIM 609162.
Kniest dysplasia. Identifiers: Orphanet 485, MedGen C0265279, MONDO:0007987, OMIM 156550.
Legg-Calve-Perthes disease. Also called: Osteochondritis deformans; Coxa plana; Avascular necrosis of the capital femoral epiphysis; PERTHES DISEASE. Identifiers: Orphanet 2380, MedGen C1442965, MONDO:0007885, OMIM 150600, HP:0005743.
Avascular necrosis of femoral head, primary, 1 (ANFH1). Also called: Avascular necrosis of femoral head, primary. Identifiers: Orphanet 86820, MedGen C4551562, MONDO:0054550, OMIM 608805.
Spondyloepiphyseal dysplasia, Stanescu type. Also called: SED, STANESCU TYPE; SPONDYLOEPIMETAPHYSEAL DYSPLASIA, STANESCU TYPE. Identifiers: Orphanet 459051, MedGen C4225273, MONDO:0014701, OMIM 616583.
Stickler syndrome type 1 (STL1). Also called: COL2A1-Related Stickler Syndrome; STICKLER SYNDROME, MEMBRANOUS VITREOUS TYPE; STICKLER SYNDROME, VITREOUS TYPE 1; ARTHROOPHTHALMOPATHY, HEREDITARY PROGRESSIVE. Identifiers: Orphanet 828, Orphanet 90653, MedGen C2020284, MONDO:0007160, OMIM 108300.
Vitreoretinopathy with phalangeal epiphyseal dysplasia (VPED). Identifiers: MedGen C1852989, MONDO:0031001, OMIM 619248.
Spondyloepiphyseal dysplasia congenita (SEDC). Also called: SPONDYLOEPIPHYSEAL DYSPLASIA, CONGENITAL TYPE; SED CONGENITA. Identifiers: Orphanet 94068, MedGen C2745959, MONDO:0008471, OMIM 183900.
Platyspondylic dysplasia, Torrance type (PLSDT). Identifiers: Orphanet 85166, MedGen C1835437, MONDO:0007895, OMIM 151210.
Stickler syndrome, type I, nonsyndromic ocular. Also called: STICKLER SYNDROME, ATYPICAL; STICKLER SYNDROME, TYPE I, PREDOMINANTLY OCULAR. Identifiers: MedGen C1836080, MONDO:0012287, OMIM 609508.
Spondylometaphyseal dysplasia - Sutcliffe type. Also called: Spondylometaphyseal dysplasia, 'corner fracture' type; Spondylometaphyseal Dysplasia, Corner Fracture Type; Sutcliffe type of spondylometaphyseal dysplasia; Sutcliffe SMD. Identifiers: Orphanet 93315, MedGen C0432221, MONDO:0008479, OMIM 184255.
Spondyloperipheral dysplasia. Also called: SPONDYLOPERIPHERAL DYSPLASIA WITH SHORT ULNA; Spondyloperipheral dysplasia-short ulna syndrome. Identifiers: Orphanet 1856, MedGen C0796173, MONDO:0010078, OMIM 271700.
Namaqualand hip dysplasia (OSCDP). Also called: Mild spondyloepiphyseal dysplasia due to COL2A1 mutation with early-onset osteoarthritis. Identifiers: Orphanet 93279, MedGen C0432214, MONDO:0011496, OMIM 604864.
Multiple epiphyseal dysplasia, Beighton type. Identifiers: Orphanet 166011, MedGen C1851536, MONDO:0007562, OMIM 132450.
Type 2 collagenopathy. Identifiers: Orphanet 93421, MedGen C2931073, MONDO:0022800.
Abnormality of the skeletal system. Identifiers: MedGen C4021790, HP:0000924.

Submissions (8):

Labcorp Genetics (formerly Invitae), Labcorp
Classification: Pathogenic. Last evaluated: 2026-01-11. Review status: criteria provided, single submitter. Criteria: Invitae Variant Classification Sherloc (09022015). Collection method: clinical testing. Allele origin: germline.
Comment: This sequence change replaces alanine, which is neutral and non-polar, with valine, which is neutral and non-polar, at codon 302 of the COL2A1 protein (p.Ala302Val). RNA analysis indicates that this missense change induces altered splicing and likely results in the loss of 7 amino acid residue(s), but is expected to preserve the integrity of the reading-frame. This variant is not present in population databases (gnomAD no frequency). This missense change has been observed in individuals with autosomal dominant Kniest dysplasia (PMID: 17347327, 25604898, 26037341). This variant is also known as p.Ala102Val. ClinVar contains an entry for this variant (Variation ID: 449001). Invitae Evidence Modeling of protein sequence and biophysical properties (such as structural, functional, and spatial information, amino acid conservation, physicochemical variation, residue mobility, and thermodynamic stability) indicates that this missense variant is not expected to disrupt COL2A1 protein function with a negative predictive value of 95%. Studies have shown that this missense change results in the activation of a cryptic splice site in exon 12 (PMID: 7977371, 8893763). This variant disrupts the triple helix domain of COL2A1. Glycine residues within the Gly-Xaa-Yaa repeats of the triple helix domain are required for the structure and stability of fibrillar collagens (PMID: 7695699, 8218237, 19344236). In COL2A1, variants affecting these glycine residues are significantly enriched in individuals with disease (PMID: 9016532, 17078022) compared to the general population (ExAC). For these reasons, this variant has been classified as Pathogenic.

Blueprint Genetics
Classification: Pathogenic for COL2A1-related disorders. Last evaluated: 2023-07-25. Review status: criteria provided, single submitter. Criteria: ACMG Guidelines, 2015. Collection method: clinical testing. Allele origin: germline. Affected: yes. Observed: 2 variant alleles.

Division of Human Genetics, National Health Laboratory Service/University of the Witwatersrand
Classification: Pathogenic for Type II Collagenopathies. Last evaluated: 2023-07-01. Review status: criteria provided, single submitter. Criteria: ACMG Guidelines, 2015. Collection method: research. Allele origin: germline. Affected: yes.

GeneDx
Classification: Pathogenic. Last evaluated: 2022-02-16. Review status: criteria provided, single submitter. Criteria: GeneDx Variant Classification Process June 2021. Collection method: clinical testing. Allele origin: germline. Affected: yes.
Comment: Observed in patients with type II collagenopathies in published literature (Bogaert R, et al., 1994; Chen et al., 1996; Terhal et al., 2015).; Functional studies show the variant results in a cryptic splice donor site and leads to the in-frame loss of 7 amino acids (represented as p.A302_K308del), including two G-X-Y canonical repeats within the triple helical region (Chen et al., 1996); Variants in this region are expected to disrupt normal protein folding and function, and this is an established mechanism of disease; Not observed in large population cohorts (gnomAD); This variant is associated with the following publications: (PMID: 25604898, 17347327, 25525159, 7977371, 8893763, 25592122, 32333414, 26037341, 35052477)

Fulgent Genetics
Classification: Pathogenic for Stickler syndrome type 1; Multiple epiphyseal dysplasia, Beighton type; Legg-Calve-Perthes disease; Platyspondylic dysplasia, Torrance type; Kniest dysplasia; Spondyloepiphyseal dysplasia congenita; Spondyloepimetaphyseal dysplasia, Strudwick type; Spondylometaphyseal dysplasia - Sutcliffe type; Achondrogenesis type II; Spondyloperipheral dysplasia; Namaqualand hip dysplasia; Avascular necrosis of femoral head, primary, 1; Spondyloepiphyseal dysplasia with metatarsal shortening; Stickler syndrome, type I, nonsyndromic ocular; Spondyloepiphyseal dysplasia, Stanescu type; Vitreoretinopathy with phalangeal epiphyseal dysplasia. Last evaluated: 2021-11-24. Review status: criteria provided, single submitter. Criteria: ACMG Guidelines, 2015. Collection method: clinical testing. Allele origin: unknown.

Kariminejad - Najmabadi Pathology & Genetics Center
Classification: Likely pathogenic for Abnormality of the skeletal system. Last evaluated: 2021-07-10. Review status: criteria provided, single submitter. Criteria: ACMG Guidelines, 2015. Collection method: clinical testing. Allele origin: de novo. Affected: yes.

Johns Hopkins Genomics, Johns Hopkins University
Classification: Pathogenic for Spondyloepiphyseal dysplasia congenita. Last evaluated: 2020-07-07. Review status: criteria provided, single submitter. Criteria: ACMG Guidelines, 2015. Collection method: clinical testing. Allele origin: germline.

Equipe Genetique des Anomalies du Developpement, Université de Bourgogne
Classification: Pathogenic for Spondyloepimetaphyseal dysplasia, Strudwick type. Last evaluated: 2019-08-09. Review status: criteria provided, single submitter. Criteria: ACMG Guidelines, 2015. Collection method: clinical testing. Allele origin: unknown. Affected: yes.

Literature cited by the submitters: PubMed 17347327 (cited by Labcorp Genetics (formerly Invitae), Labcorp); PubMed 25604898 (cited by Labcorp Genetics (formerly Invitae), Labcorp); PubMed 26037341 (cited by Labcorp Genetics (formerly Invitae), Labcorp and Johns Hopkins Genomics, Johns Hopkins University); PubMed 7977371 (cited by Labcorp Genetics (formerly Invitae), Labcorp and Johns Hopkins Genomics, Johns Hopkins University); PubMed 8893763 (cited by Labcorp Genetics (formerly Invitae), Labcorp); PubMed 7695699 (cited by Labcorp Genetics (formerly Invitae), Labcorp); PubMed 8218237 (cited by Labcorp Genetics (formerly Invitae), Labcorp); PubMed 19344236 (cited by Labcorp Genetics (formerly Invitae), Labcorp); PubMed 9016532 (cited by Labcorp Genetics (formerly Invitae), Labcorp); PubMed 17078022 (cited by Labcorp Genetics (formerly Invitae), Labcorp); PubMed 25592122 (cited by Johns Hopkins Genomics, Johns Hopkins University); PubMed 8702139 (cited by Johns Hopkins Genomics, Johns Hopkins University).